The following is an entry in ClinVar:

ClinVar aggregate classification (germline): Likely benign (1 of 4 stars; one submission).

gnomAD v4.1: 583 of 1,613,058 alleles (0.036%); highest among the groups gnomAD compares: African/African-American, 0.68%; 3 homozygotes.

Submission:

CeGaT Center for Human Genetics Tuebingen
Classification: Likely benign. Last evaluated: 2026-08-01. Review status: criteria provided, single submitter. Criteria: CeGaT Center For Human Genetics Tuebingen Variant Classification Criteria Version 2. Collection method: clinical testing. Allele origin: germline. Affected: yes. Observed: 1 variant allele.
Comment: TP73: BS2

NM_005427.4(TP73):c.280C>A (p.Pro94Thr)

Gene: TP73 (tumor protein p73; plus strand). Cytogenetic location: 1p36.32.
Variant type: single nucleotide variant.
Coding change: c.280C>A on transcript NM_005427.4 (MANE Select); coding-DNA position 280, C replaced by A.
Protein change: p.Pro94Thr; replaces proline 94 with threonine.
Molecular consequence: missense variant.
Genome position (GRCh38, 1-based): chr1:3,707,642, C>A. VCF-style: chr1-3707642-C-A. GRCh37 (hg19) VCF-style: chr1-3624206-C-A.
Other names: c.133C>A, p.Pro45Thr (NM_001126240.3, NM_001126241.3, NM_001126242.3 and 3 more transcripts); c.280C>A, p.Pro94Thr (NM_001204184.2, NM_001204185.2, NM_001204186.2 and 2 more transcripts); c.67C>A, p.Pro23Thr (NM_001204192.2); short protein forms P23T, P45T, P94T.
Identifiers: ClinVar variation 5038604 (VCV005038604.1).